The following is an entry in ClinVar:

ClinVar aggregate classification (germline): Uncertain significance (1 of 4 stars; one submission).

Conditions:
UGT1A1-related disorder. Also called: UGT1A1-related disorders; UGT1A1-related condition.

gnomAD v4.1: 1 of 1,614,242 alleles (0.000062%); highest among the groups gnomAD compares: Non-Finnish European, 0.000085%; no homozygotes.

Submission:

PreventionGenetics, part of Exact Sciences
Classification: Uncertain significance for UGT1A1-related condition. Last evaluated: 2024-12-13. Review status: criteria provided, single submitter. Criteria: ACMG Guidelines, 2015. Collection method: clinical testing. Allele origin: germline.
Comment: The UGT1A1 c.1064T>A variant is predicted to result in the amino acid substitution p.Leu355Gln. To our knowledge, this variant has not been reported in the literature or in a large population database (gnomAD), indicating this variant is rare. At this time, the clinical significance of this variant is uncertain due to the absence of conclusive functional and genetic evidence.

NM_000463.3(UGT1A1):c.1064T>A (p.Leu355Gln)

Genes: UGT1A5 (UDP glucuronosyltransferase family 1 member A5; plus strand), UGT1A (UDP glucuronosyltransferase family 1 member A complex locus; plus strand), UGT1A1 (UDP glucuronosyltransferase family 1 member A1; plus strand), UGT1A10 (UDP glucuronosyltransferase family 1 member A10; plus strand), UGT1A3 (UDP glucuronosyltransferase family 1 member A3; plus strand) and 5 more. Cytogenetic location: 2q37.1.
Variant type: single nucleotide variant.
Coding change: c.1064T>A on transcript NM_000463.3 (MANE Select); coding-DNA position 1064, T replaced by A.
Protein change: p.Leu355Gln; replaces leucine 355 with glutamine.
Molecular consequence: missense variant.
Genome position (GRCh38, 1-based): chr2:233,767,916, T>A. VCF-style: chr2-233767916-T-A. GRCh37 (hg19) VCF-style: chr2-234676562-T-A.
Other names: c.1055T>A, p.Leu352Gln (NM_019075.4, NM_019076.5, NM_019077.3 and 1 more transcripts); c.1061T>A, p.Leu354Gln (NM_001072.4); c.260T>A, p.Leu87Gln (NM_205862.3); c.1067T>A, p.Leu356Gln (NM_019078.2, NM_007120.3, NM_019093.4); short protein forms L356Q, L354Q, L87Q, L355Q, L352Q.
Identifiers: ClinVar variation 4988018 (VCV004988018.1).